The following is an entry in ClinVar:

ClinVar aggregate classification (germline): Conflicting classifications of pathogenicity. Review status: criteria provided, conflicting classifications (1 of 4 stars). 2 submissions from 2 submitters: Uncertain significance (1); Likely benign (1). Last evaluated 2025-08-15.

Allele frequency attached by ClinVar (database versions not stated): TOPMed 0.00003; gnomAD exomes 0.00004; ExAC 0.00003; gnomAD 0.00003.
gnomAD v4.1: 66 of 1,612,000 alleles (0.0041%); highest among the groups gnomAD compares: Middle Eastern, 0.016%; no homozygotes.

Submissions (2):

Mayo Clinic Laboratories, Mayo Clinic
Classification: Likely benign. Last evaluated: 2025-08-15. Review status: criteria provided, single submitter. Criteria: ACMG Guidelines, 2015. Collection method: clinical testing. Allele origin: germline. Observed: 1 variant allele.
Comment: BP4, BP7

Labcorp Genetics (formerly Invitae), Labcorp
Classification: Uncertain significance. Last evaluated: 2022-06-03. Review status: criteria provided, single submitter. Criteria: Invitae Variant Classification Sherloc (09022015). Collection method: clinical testing. Allele origin: germline.
Comment: This sequence change affects codon 3541 of the VPS13C mRNA. It is a 'silent' change, meaning that it does not change the encoded amino acid sequence of the VPS13C protein. It affects a nucleotide within the consensus splice site. This variant is present in population databases (rs758020068, gnomAD 0.005%). This variant has not been reported in the literature in individuals affected with VPS13C-related conditions. Algorithms developed to predict the effect of sequence changes on RNA splicing suggest that this variant is not likely to affect RNA splicing. In summary, the available evidence is currently insufficient to determine the role of this variant in disease. Therefore, it has been classified as a Variant of Uncertain Significance.

NM_020821.3(VPS13C):c.10623A>G (p.Glu3541=)

Gene: VPS13C (vacuolar protein sorting 13 homolog C; minus strand). Cytogenetic location: 15q22.2.
Variant type: single nucleotide variant.
Coding change: c.10623A>G on transcript NM_020821.3 (MANE Select); coding-DNA position 10623, A replaced by G.
Protein change: p.Glu3541=; no amino-acid change (glutamic acid 3541 retained).
Molecular consequence: synonymous variant.
Genome position (GRCh38, 1-based): chr15:61,871,990, T>C on the plus strand (A>G on the coding strand, the complement: VPS13C is on the minus strand). VCF-style: chr15-61871990-T-C. GRCh37 (hg19) VCF-style: chr15-62164189-T-C.
Other names: p.Glu3541=; c.10623A>G, p.Glu3541= (NM_001018088.3); c.10494A>G, p.Glu3498= (NM_017684.5, NM_018080.4).
Identifiers: ClinVar variation 2043991 (VCV002043991.2), dbSNP rs758020068, ClinGen allele CA7594283.